The following is an entry in ClinVar:

ClinVar aggregate classification (germline): Uncertain significance (0 of 4 stars; one submission).

Conditions:
CHRNA1-related disorder. Also called: CHRNA1-related condition.

Submission:

PreventionGenetics, part of Exact Sciences
Classification: Uncertain significance for CHRNA1-related condition. Last evaluated: 2023-12-10. Review status: no assertion criteria provided. Collection method: clinical testing. Allele origin: germline.
Comment: The CHRNA1 c.234G>A variant is not predicted to result in an amino acid change (p.=). This variant is located at the last nucleotide of an exon and is predicted to alter splicing based on available splicing prediction programs (Alamut Visual Plus v1.6.1; SpliceAI, Jaganathan et al. 2019. PubMed ID: 30661751). To our knowledge, this variant has not been reported in the literature or in a large population database, indicating this variant is rare. At this time, the clinical significance of this variant is uncertain due to the absence of conclusive functional and genetic evidence.

NM_000079.4(CHRNA1):c.234G>A (p.Gln78=)

Gene: CHRNA1 (cholinergic receptor nicotinic alpha 1 subunit; minus strand). Cytogenetic location: 2q31.1.
Variant type: single nucleotide variant.
Coding change: c.234G>A on transcript NM_000079.4 (MANE Select); coding-DNA position 234, G replaced by A.
Protein change: p.Gln78=; no amino-acid change (glutamine 78 retained).
Molecular consequence: synonymous variant.
Genome position (GRCh38, 1-based): chr2:174,759,331, C>T on the plus strand (G>A on the coding strand, the complement: CHRNA1 is on the minus strand). VCF-style: chr2-174759331-C-T. GRCh37 (hg19) VCF-style: chr2-175624059-C-T.
Other names: c.234G>A, p.Gln78= (NM_001039523.3).
Identifiers: ClinVar variation 3033471 (VCV003033471.2), dbSNP rs2468902304, ClinGen allele CA430025466.